The following is an entry in ClinVar:

NM_001267550.2(TTN):c.90978T>A (p.Gly30326=)

Genes: TTN (titin; minus strand), TTN-AS1 (TTN antisense RNA 1; plus strand). Cytogenetic location: 2q31.2.
Variant type: single nucleotide variant.
Coding change: c.90978T>A on transcript NM_001267550.2 (MANE Select); coding-DNA position 90978, T replaced by A.
Protein change: p.Gly30326=; no amino-acid change (glycine 30326 retained).
Molecular consequence: synonymous variant.
Genome position (GRCh38, 1-based): chr2:178,551,922, A>T on the plus strand (T>A on the coding strand, the complement: TTN is on the minus strand). VCF-style: chr2-178551922-A-T. GRCh37 (hg19) VCF-style: chr2-179416649-A-T.
Other names: c.86055T>A, p.Gly28685= (NM_001256850.1); c.63783T>A, p.Gly21261= (NM_003319.4); c.83274T>A, p.Gly27758= (NM_133378.4); c.64158T>A, p.Gly21386= (NM_133432.3); c.64359T>A, p.Gly21453= (NM_133437.4).
Identifiers: ClinVar variation 2927539 (VCV002927539.23), dbSNP rs1699600265, ClinGen allele CA430245506.

ClinVar aggregate classification (germline): Likely benign. Review status: criteria provided, multiple submitters, no conflicts (2 of 4 stars). 2 submissions from 2 submitters: Likely benign (2). Last evaluated 2024-04-01.

Conditions:
Dilated cardiomyopathy 1G (CMD1G). Identifiers: Orphanet 154, MedGen C1858763, MONDO:0011400, OMIM 604145.
Autosomal recessive limb-girdle muscular dystrophy type 2J (LGMDR10). Also called: Limb-girdle muscular dystrophy, type 2J; MUSCULAR DYSTROPHY, LIMB-GIRDLE, AUTOSOMAL RECESSIVE 10. Identifiers: Orphanet 140922, MedGen C1837342, MONDO:0012127, OMIM 608807.

Allele frequency attached by ClinVar (database versions not stated): gnomAD exomes below 0.00001; TOPMed below 0.00001.
gnomAD v4.1: 2 of 1,613,622 alleles (0.00012%); highest among the groups gnomAD compares: Non-Finnish European, 0.00017%; no homozygotes.

Submissions (2):

CeGaT Center for Human Genetics Tuebingen
Classification: Likely benign. Last evaluated: 2024-04-01. Review status: criteria provided, single submitter. Criteria: CeGaT Center For Human Genetics Tuebingen Variant Classification Criteria Version 2. Collection method: clinical testing. Allele origin: germline. Affected: yes. Observed: 1 variant allele.
Comment: TTN: PM2:Supporting, BP4, BP7

Labcorp Genetics (formerly Invitae), Labcorp
Classification: Likely benign for Dilated cardiomyopathy 1G; Autosomal recessive limb-girdle muscular dystrophy type 2J. Last evaluated: 2023-11-29. Review status: criteria provided, single submitter. Criteria: Invitae Variant Classification Sherloc (09022015). Collection method: clinical testing. Allele origin: germline.